The following is an entry in ClinVar:

ClinVar aggregate classification (germline): Uncertain significance. Review status: criteria provided, multiple submitters, no conflicts (2 of 4 stars). 2 submissions from 2 submitters: Uncertain significance (2). Last evaluated 2023-12-19.

Conditions:
Inborn genetic diseases. Identifiers: MedGen C0950123, MeSH D030342.
Pyruvate dehydrogenase E2 deficiency (PDHDD). Also called: Dihydrolipoamide Acetyltransferase (E2) Deficiency; LACTIC ACIDEMIA DUE TO DEFECT OF E2 LIPOYL TRANSACETYLASE OF THE PYRUVATE DEHYDROGENASE COMPLEX. Identifiers: Orphanet 765, Orphanet 79244, MedGen C1855565, MONDO:0009502, OMIM 245348.

Allele frequency attached by ClinVar (database versions not stated): TOPMed below 0.00001; gnomAD 0.00001; ExAC 0.00002; gnomAD exomes 0.00004.
gnomAD v4.1: 46 of 1,613,812 alleles (0.0029%); highest among the groups gnomAD compares: Middle Eastern, 0.017%; no homozygotes.

Submissions (2):

Ambry Genetics
Classification: Uncertain significance for Inborn genetic diseases. Last evaluated: 2023-12-19. Review status: criteria provided, single submitter. Criteria: Ambry Variant Classification Scheme 2023. Collection method: clinical testing. Allele origin: germline.

Labcorp Genetics (formerly Invitae), Labcorp
Classification: Uncertain significance for Pyruvate dehydrogenase E2 deficiency. Last evaluated: 2021-12-23. Review status: criteria provided, single submitter. Criteria: Invitae Variant Classification Sherloc (09022015). Collection method: clinical testing. Allele origin: germline.
Comment: This sequence change replaces proline, which is neutral and non-polar, with leucine, which is neutral and non-polar, at codon 325 of the DLAT protein (p.Pro325Leu). This variant is present in population databases (rs782527135, gnomAD 0.01%). This variant has not been reported in the literature in individuals affected with DLAT-related conditions. Algorithms developed to predict the effect of missense changes on protein structure and function output the following: SIFT: "Deleterious"; PolyPhen-2: "Benign"; Align-GVGD: "Class C65". The leucine amino acid residue is found in multiple mammalian species, which suggests that this missense change does not adversely affect protein function. In summary, the available evidence is currently insufficient to determine the role of this variant in disease. Therefore, it has been classified as a Variant of Uncertain Significance.

NM_001931.5(DLAT):c.974C>T (p.Pro325Leu)

Gene: DLAT (dihydrolipoamide S-acetyltransferase; plus strand). Cytogenetic location: 11q23.1.
Variant type: single nucleotide variant.
Coding change: c.974C>T on transcript NM_001931.5 (MANE Select); coding-DNA position 974, C replaced by T.
Protein change: p.Pro325Leu; replaces proline 325 with leucine.
Molecular consequence: missense variant. On other transcripts: intron variant (2).
Genome position (GRCh38, 1-based): chr11:112,037,459, C>T. VCF-style: chr11-112037459-C-T. GRCh37 (hg19) VCF-style: chr11-111908183-C-T.
Other names: c.974C>T, p.Pro325Leu (NM_001372031.1, NM_001372032.1, NM_001372033.1 and 1 more transcripts); c.941C>T, p.Pro314Leu (NM_001372034.1); c.848C>T, p.Pro283Leu (NM_001372036.1); c.806C>T, p.Pro269Leu (NM_001372037.1); c.695C>T, p.Pro232Leu (NM_001372038.1); c.593C>T, p.Pro198Leu (NM_001372040.1); c.512C>T, p.Pro171Leu (NM_001372042.1); c.661-1785C>T (NM_001372039.1, NM_001372041.1); short protein forms P325L, P269L, P283L, P198L, P314L, P171L, P232L.
Identifiers: ClinVar variation 1396818 (VCV001396818.4), dbSNP rs782527135, ClinGen allele CA6276782.
Genomic context (GRCh38, chr11:112,037,459, plus strand): 5'-ACTATAGGCCAACCGAAGTAACAGATTTAAAACCACAAGTGCCACCACCTACCCCACCCC[C>T]GGTAGGTATGCTTCTAGAATTCAGGAAACACTTACCTTGTTCATCTCTAAATTAAGGAGT-3'
Protein context (NP_001922.2, residues 315-335): KPQVPPPTPP[Pro325Leu]VAAVPPTPQP